The following is an entry in ClinVar:

NM_001130144.3(LTBP3):c.3786C>G (p.Asn1262Lys)

Gene: LTBP3 (latent transforming growth factor beta binding protein 3; minus strand). Cytogenetic location: 11q13.1.
Variant type: single nucleotide variant.
Coding change: c.3786C>G on transcript NM_001130144.3 (MANE Select); coding-DNA position 3786, C replaced by G.
Protein change: p.Asn1262Lys; replaces asparagine 1262 with lysine.
Molecular consequence: missense variant.
Genome position (GRCh38, 1-based): chr11:65,539,206, G>C on the plus strand (C>G on the coding strand, the complement: LTBP3 is on the minus strand). VCF-style: chr11-65539206-G-C. GRCh37 (hg19) VCF-style: chr11-65306677-G-C.
Other names: c.3294C>G, p.Asn1098Lys (NM_001164266.1); c.3645C>G, p.Asn1215Lys (NM_021070.4); short protein forms N1098K, N1215K, N1262K.
Identifiers: ClinVar variation 2742463 (VCV002742463.3), dbSNP rs1414763719, ClinGen allele CA381266019.

ClinVar aggregate classification (germline): Uncertain significance (1 of 4 stars; one submission).

Conditions:
Brachyolmia-amelogenesis imperfecta syndrome. Also called: PLATYSPONDYLY WITH AMELOGENESIS IMPERFECTA; Tooth agenesis, selective, 6; Dental anomalies and short stature. Identifiers: Orphanet 2899, MedGen C1832594, MONDO:0011018, OMIM 601216. Disease mechanism: loss of function.

Allele frequency attached by ClinVar (database versions not stated): TOPMed 0.00001.
gnomAD v4.1: 15 of 1,526,672 alleles (0.00098%); highest among the groups gnomAD compares: Non-Finnish European, 0.0011%; no homozygotes.

Submission:

Labcorp Genetics (formerly Invitae), Labcorp
Classification: Uncertain significance for Brachyolmia-amelogenesis imperfecta syndrome. Last evaluated: 2025-02-15. Review status: criteria provided, single submitter. Criteria: Invitae Variant Classification Sherloc (09022015). Collection method: clinical testing. Allele origin: germline.
Comment: This sequence change replaces asparagine, which is neutral and polar, with lysine, which is basic and polar, at codon 1262 of the LTBP3 protein (p.Asn1262Lys). This variant is not present in population databases (gnomAD no frequency). This variant has not been reported in the literature in individuals affected with LTBP3-related conditions. ClinVar contains an entry for this variant (Variation ID: 2742463). An algorithm developed to predict the effect of missense changes on protein structure and function (PolyPhen-2) suggests that this variant is likely to be disruptive. In summary, the available evidence is currently insufficient to determine the role of this variant in disease. Therefore, it has been classified as a Variant of Uncertain Significance.